The following is an entry in ClinVar:

ClinVar aggregate classification (germline): Benign/Likely benign. Review status: criteria provided, multiple submitters, no conflicts (2 of 4 stars). 2 submissions from 2 submitters: Benign (1); Likely benign (1). Last evaluated 2026-05-21.

Conditions:
Neurofibromatosis, type 1 (NF1). Also called: VON RECKLINGHAUSEN DISEASE; NEUROFIBROMATOSIS, TYPE I, SOMATIC; Peripheral type neurofibromatosis; Neurofibromatosis, type I. Identifiers: Orphanet 636, MedGen C0027831, MONDO:0018975, OMIM 162200. Disease mechanism: loss of function.
Hereditary cancer-predisposing syndrome. Also called: Neoplastic Syndromes, Hereditary; Tumor predisposition; Hereditary Cancer Syndrome; Hereditary neoplastic syndrome. Identifiers: Orphanet 140162, MedGen C0027672, MeSH D009386, MONDO:0015356.
Cardiovascular phenotype. Identifiers: MedGen CN230736.

Submissions (2):

Myriad Genetics, Inc.
Classification: Benign for Neurofibromatosis, type 1. Last evaluated: 2026-05-21. Review status: criteria provided, single submitter. Criteria: Myriad Autosomal Dominant, Autosomal Recessive and X-Linked Classification Criteria (2023). Collection method: clinical testing. Allele origin: unknown.
Comment: This variant is considered benign. This variant is a silent/synonymous amino acid change and it is not expected to impact splicing.

Ambry Genetics
Classification: Likely benign for Cardiovascular phenotype; Hereditary cancer-predisposing syndrome. Last evaluated: 2025-03-25. Review status: criteria provided, single submitter. Criteria: Ambry Variant Classification Scheme 2023. Collection method: clinical testing. Allele origin: germline.

NM_001042492.3(NF1):c.6429A>G (p.Glu2143=)

Gene: NF1 (neurofibromin 1; plus strand). Cytogenetic location: 17q11.2.
Variant type: single nucleotide variant.
Coding change: c.6429A>G on transcript NM_001042492.3 (MANE Select); coding-DNA position 6429, A replaced by G.
Protein change: p.Glu2143=; no amino-acid change (glutamic acid 2143 retained).
Molecular consequence: synonymous variant.
Genome position (GRCh38, 1-based): chr17:31,337,369, A>G. VCF-style: chr17-31337369-A-G. GRCh37 (hg19) VCF-style: chr17-29664387-A-G.
Other names: c.6366A>G, p.Glu2122= (NM_000267.4).
Identifiers: ClinVar variation 4016340 (VCV004016340.2).